The following is an entry in ClinVar:

ClinVar aggregate classification (germline): Uncertain significance (1 of 4 stars; one submission).

Conditions:
Long QT syndrome (LQTS). Identifiers: MedGen C0023976, MeSH D008133, MONDO:0002442. Disease mechanism: loss of function. Inheritance: Various modes of inheritance.

Submission:

Labcorp Genetics (formerly Invitae), Labcorp
Classification: Uncertain significance for Long QT syndrome. Last evaluated: 2025-10-13. Review status: criteria provided, single submitter. Criteria: Invitae Variant Classification Sherloc (09022015). Collection method: clinical testing. Allele origin: germline.
Comment: This sequence change replaces alanine, which is neutral and non-polar, with valine, which is neutral and non-polar, at codon 2 of the KCNJ5 protein (p.Ala2Val). This variant is not present in population databases (gnomAD no frequency). This variant has not been reported in the literature in individuals affected with KCNJ5-related conditions. Invitae Evidence Modeling of protein sequence and biophysical properties (such as structural, functional, and spatial information, amino acid conservation, physicochemical variation, residue mobility, and thermodynamic stability) indicates that this missense variant is not expected to disrupt KCNJ5 protein function with a negative predictive value of 95%. In summary, the available evidence is currently insufficient to determine the role of this variant in disease. Therefore, it has been classified as a Variant of Uncertain Significance.

NM_000890.5(KCNJ5):c.5C>T (p.Ala2Val)

Gene: KCNJ5 (potassium inwardly rectifying channel subfamily J member 5; plus strand). Cytogenetic location: 11q24.3.
Variant type: single nucleotide variant.
Coding change: c.5C>T on transcript NM_000890.5 (MANE Select); coding-DNA position 5, C replaced by T.
Protein change: p.Ala2Val; replaces alanine 2 with valine.
Molecular consequence: missense variant.
Genome position (GRCh38, 1-based): chr11:128,911,278, C>T. VCF-style: chr11-128911278-C-T. GRCh37 (hg19) VCF-style: chr11-128781173-C-T.
Other names: c.5C>T, p.Ala2Val (NM_001354169.2); short protein forms A2V.
Identifiers: ClinVar variation 4703612 (VCV004703612.1).